The following is an entry in ClinVar:

ClinVar aggregate classification (germline): Uncertain significance (1 of 4 stars; one submission).

gnomAD v4.1: 1 of 1,613,906 alleles (0.000062%); highest among the groups gnomAD compares: Non-Finnish European, 0.000085%; no homozygotes.

Submission:

Labcorp Genetics (formerly Invitae), Labcorp
Classification: Uncertain significance. Last evaluated: 2024-02-22. Review status: criteria provided, single submitter. Criteria: Invitae Variant Classification Sherloc (09022015). Collection method: clinical testing. Allele origin: germline.
Comment: This sequence change replaces serine, which is neutral and polar, with cysteine, which is neutral and slightly polar, at codon 1352 of the RAI1 protein (p.Ser1352Cys). This variant is not present in population databases (gnomAD no frequency). This variant has not been reported in the literature in individuals affected with RAI1-related conditions. Advanced modeling of protein sequence and biophysical properties (such as structural, functional, and spatial information, amino acid conservation, physicochemical variation, residue mobility, and thermodynamic stability) performed at Invitae indicates that this missense variant is not expected to disrupt RAI1 protein function with a negative predictive value of 80%. In summary, the available evidence is currently insufficient to determine the role of this variant in disease. Therefore, it has been classified as a Variant of Uncertain Significance.

NM_030665.4(RAI1):c.4055C>G (p.Ser1352Cys)

Gene: RAI1 (retinoic acid induced 1; plus strand). Cytogenetic location: 17p11.2.
Variant type: single nucleotide variant.
Coding change: c.4055C>G on transcript NM_030665.4 (MANE Select); coding-DNA position 4055, C replaced by G.
Protein change: p.Ser1352Cys; replaces serine 1352 with cysteine.
Molecular consequence: missense variant.
Genome position (GRCh38, 1-based): chr17:17,797,003, C>G. VCF-style: chr17-17797003-C-G. GRCh37 (hg19) VCF-style: chr17-17700317-C-G.
Other names: short protein forms S1352C.
Identifiers: ClinVar variation 3640664 (VCV003640664.2).